The following is an entry in ClinVar:

ClinVar aggregate classification (germline): Conflicting classifications of pathogenicity. Review status: criteria provided, conflicting classifications (1 of 4 stars). 15 submissions from 15 submitters: Uncertain significance (1); Benign (2); Likely benign (9). 3 of the submissions do not count toward it. Last evaluated 2026-01-28.

Conditions:
Bile duct cancer. Identifiers: MedGen CN296287, MONDO:0003059.
Hereditary cancer-predisposing syndrome. Also called: Tumor predisposition; Neoplastic Syndromes, Hereditary; Hereditary Cancer Syndrome; Hereditary neoplastic syndrome. Identifiers: Orphanet 140162, MedGen C0027672, MeSH D009386, MONDO:0015356.
Familial cancer of breast. Also called: hereditary breast carcinoma; BREAST CANCER, FAMILIAL; Hereditary breast cancer. Identifiers: Orphanet 227535, MedGen C0346153, MONDO:0016419, OMIM 114480. Disease mechanism: loss of function.
Fanconi anemia complementation group N. Also called: PALB2-Related Fanconi Anemia. Identifiers: Orphanet 84, MedGen C1835817, MONDO:0012565, OMIM 610832. Disease mechanism: loss of function.

Allele frequency attached by ClinVar (database versions not stated): gnomAD exomes 0.00002 and 0.00007; 1000 Genomes Project 30x 0.00016; 1000 Genomes Project 0.00020; TOPMed below 0.00001; ExAC 0.00001; gnomAD 0.00001.
gnomAD v4.1: 107 of 1,613,984 alleles (0.0066%); highest among the groups gnomAD compares: East Asian, 0.23%; no homozygotes.

Submissions (15):

Labcorp Genetics (formerly Invitae), Labcorp
Classification: Likely benign for Familial cancer of breast. Last evaluated: 2026-01-28. Review status: criteria provided, single submitter. Criteria: Invitae Variant Classification Sherloc (09022015). Collection method: clinical testing. Allele origin: germline.

Quest Diagnostics Nichols Institute San Juan Capistrano
Classification: Likely benign. Last evaluated: 2025-11-06. Review status: criteria provided, single submitter. Criteria: Quest Diagnostics criteria. Collection method: clinical testing. Allele origin: unknown.

CeGaT Center for Human Genetics Tuebingen
Classification: Likely benign. Last evaluated: 2025-05-01. Review status: criteria provided, single submitter. Criteria: CeGaT Center For Human Genetics Tuebingen Variant Classification Criteria Version 2. Collection method: clinical testing. Allele origin: germline. Affected: yes. Observed: 1 variant allele.
Comment: PALB2: BP4, BP7

Center for Genomic Medicine, Rigshospitalet, Copenhagen University Hospital
Classification: Likely benign. Last evaluated: 2025-03-04. Review status: criteria provided, single submitter. Criteria: ACMG Guidelines, 2015. Collection method: clinical testing. Allele origin: germline.

Myriad Genetics, Inc.
Classification: Benign for Familial cancer of breast. Last evaluated: 2023-03-30. Review status: criteria provided, single submitter. Criteria: Myriad Autosomal Dominant, Autosomal Recessive and X-Linked Classification Criteria (2023). Collection method: clinical testing. Allele origin: unknown.
Comment: This variant is considered benign. This variant is a silent/synonymous amino acid change and it is not expected to impact splicing.

Mendelics
Classification: Likely benign for Familial cancer of breast. Last evaluated: 2019-05-28. Review status: criteria provided, single submitter. Criteria: Mendelics Assertion Criteria 2017. Collection method: clinical testing. Allele origin: unknown.

Women's Health and Genetics/Laboratory Corporation of America, LabCorp
Classification: Benign. Last evaluated: 2019-05-17. Review status: criteria provided, single submitter. Criteria: LabCorp Variant Classification Summary - May 2015. Collection method: clinical testing. Allele origin: germline.
Comment: Variant summary: PALB2 c.495C>T alters a non-conserved nucleotide resulting in a synonymous change. 5/5 computational tools predict no significant impact on normal splicing. However, these predictions have yet to be confirmed by functional studies. The variant allele was found at a frequency of 0.00034 in 273862 control chromosomes, mainly in the Japanese population. The observed variant frequency is approximately 2.17 fold of the estimated maximal expected allele frequency for a pathogenic variant in PALB2 causing Hereditary Breast and Ovarian Cancer phenotype (0.00016), strongly suggesting that the variant is benign and likely to be a Japanese polymorphism. c.495C>T has been reported in the literature in a Japanese case-control study, where the variant was not statistically associated with breast cancer risk (Momozawa_2018). Co-occurrences with other pathogenic variant(s) have been reported (BRCA2 c.5576_5579delTTAA, internal data), providing supporting evidence for a benign role. To our knowledge, no experimental evidence demonstrating an impact on protein function has been reported. Five ClinVar submissions from clinical diagnostic laboratories (evaluation after 2014) cite the variant four times as likely benign and once as uncertain significance. Based on the evidence outlined above, the variant was classified as benign.

GeneDx
Classification: Likely benign. Last evaluated: 2019-02-15. Review status: criteria provided, single submitter. Criteria: GeneDx Variant Classification Process June 2021. Collection method: clinical testing. Allele origin: germline. Affected: yes.

Illumina Laboratory Services, Illumina
Classification: Uncertain significance for Fanconi anemia complementation group N. Last evaluated: 2018-01-12. Review status: criteria provided, single submitter. Criteria: ICSL Variant Classification Criteria 13 December 2019. Collection method: clinical testing. Allele origin: germline.

PreventionGenetics, part of Exact Sciences
Classification: Likely benign. Last evaluated: 2017-09-13. Review status: criteria provided, single submitter. Criteria: ACMG Guidelines, 2015. Collection method: clinical testing. Allele origin: germline.

Color Diagnostics, LLC DBA Color Health
Classification: Likely benign for Hereditary cancer-predisposing syndrome. Last evaluated: 2015-11-02. Review status: criteria provided, single submitter. Criteria: ACMG Guidelines, 2015. Collection method: clinical testing. Allele origin: germline.

Ambry Genetics
Classification: Likely benign for Hereditary cancer-predisposing syndrome. Last evaluated: 2014-09-12. Review status: criteria provided, single submitter. Criteria: Ambry Variant Classification Scheme 2023. Collection method: clinical testing. Allele origin: germline.

Leiden Open Variation Database
Classification: Benign. Last evaluated: 2018-10-10. Review status: no assertion criteria provided. Collection method: curation. Allele origin: germline. Affected: yes. Not counted in ClinVar's aggregate classification.
Comment: Curators: Marc Tischkowitz, Arleen D. Auerbach. Submitter to LOVD: Yukihide Momozawa.

Counsyl
Classification: Likely benign for Familial cancer of breast. Last evaluated: 2018-02-20. Review status: no assertion criteria provided. Collection method: clinical testing. Allele origin: unknown. Not counted in ClinVar's aggregate classification.

Department of Pathology and Laboratory Medicine, Sinai Health System
Classification: Uncertain significance for Bile duct cancer. Review status: no assertion criteria provided. Collection method: clinical testing. Allele origin: unknown. Affected: yes. Observed: 1 variant allele. Study: The Canadian Open Genetics Repository (COGR). Not counted in ClinVar's aggregate classification.
Comment: The PALB2 p.Gly165= variant was not identified in the literature nor was it identified in the Cosmic, MutDB, LOVD 3.0, or Zhejiang Colon Cancer Databases. The variant was identified in the following databases: dbSNP (ID: rs200937538) â€šÃ„ÃºWith Likely benign alleleâ€šÃ„Ã¹, ClinVar (classified likely benign by Ambry Genetics and GeneDx), Clinvitae (2x) and in control databases in 4 of 246210 chromosomes at a frequency of 0.00002 (Genome Aggregation Database Feb 27, 2017). It was observed in the East Asian population in 4 of 17248 chromosomes (freq: 0.0002); it was not observed in the African, Other, Latino, European Non-Finnish, Ashkenazi Jewish, European Finnish, and South Asian populations. The p.Gly165= variant is not expected to have clinical significance because it does not result in a change of amino acid and is not located in a known consensus splice site. The variant occurs outside of the splicing consensus sequence and 2 of 5 in silico or computational prediction software programs (SpliceSiteFinder, MaxEntScan, NNSPLICE, GeneSplicer, HumanSpliceFinder) predict a greater than 10% difference in splicing; this is not very predictive of pathogenicity. In summary, based on the above information the clinical significance of this variant cannot be determined with certainty at this time. This variant is classified as a variant of uncertain significance.

Literature cited by the submitters: PubMed 30287823 (cited by Quest Diagnostics Nichols Institute San Juan Capistrano and Leiden Open Variation Database).

NM_024675.4(PALB2):c.495C>T (p.Gly165=)

Gene: PALB2 (partner and localizer of BRCA2; minus strand). Cytogenetic location: 16p12.2.
Variant type: single nucleotide variant.
Coding change: c.495C>T on transcript NM_024675.4 (MANE Select); coding-DNA position 495, C replaced by T.
Protein change: p.Gly165=; no amino-acid change (glycine 165 retained).
Molecular consequence: synonymous variant.
Genome position (GRCh38, 1-based): chr16:23,636,051, G>A on the plus strand (C>T on the coding strand, the complement: PALB2 is on the minus strand). VCF-style: chr16-23636051-G-A. GRCh37 (hg19) VCF-style: chr16-23647372-G-A.
Identifiers: ClinVar variation 186120 (VCV000186120.44), dbSNP rs200937538, ClinGen allele CA193911.
Genomic context (GRCh38, chr16:23,636,051, plus strand): 5'-TTTGCTACTGATTTCTTCCTGTTCCTTTAGTCTTTTCCCAGACAATCTGAGTGAATCAGT[G>A]CCAAAGACACAGTCTCTCTCCTGTGAAATAAATGTCCTCTTCTGCTGCTTCTTTCTTCTG-3'
Protein context (NP_078951.2, residues 155-175): FISQERDCVF[Gly165=]TDSLRLSGKR